The following is an entry in ClinVar:

NM_003072.5(SMARCA4):c.1398C>A (p.Arg466=)

Gene: SMARCA4 (SWI/SNF related BAF chromatin remodeling complex subunit ATPase 4; plus strand). Cytogenetic location: 19p13.2.
Variant type: single nucleotide variant.
Coding change: c.1398C>A on transcript NM_003072.5 (MANE Select); coding-DNA position 1398, C replaced by A.
Protein change: p.Arg466=; no amino-acid change (arginine 466 retained).
Molecular consequence: synonymous variant. On other transcripts: non-coding transcript variant (1).
Genome position (GRCh38, 1-based): chr19:10,991,302, C>A. VCF-style: chr19-10991302-C-A. GRCh37 (hg19) VCF-style: chr19-11101978-C-A.
Other names: c.1398C>A, p.Arg466= (NM_001128848.2, NM_001128849.3, NM_001374457.1 and 6 more transcripts).
Identifiers: ClinVar variation 4085786 (VCV004085786.8).

ClinVar aggregate classification (germline): Likely benign (1 of 4 stars; one submission).

Submission:

CeGaT Center for Human Genetics Tuebingen
Classification: Likely benign. Last evaluated: 2025-08-01. Review status: criteria provided, single submitter. Criteria: CeGaT Center For Human Genetics Tuebingen Variant Classification Criteria Version 2. Collection method: clinical testing. Allele origin: germline. Affected: yes. Observed: 1 variant allele.
Comment: SMARCA4: PM2:Supporting, BP4, BP7